The following is an entry in ClinVar:

NM_000069.3(CACNA1S):c.4933_4941del (p.Glu1645_Phe1647del)

Gene: CACNA1S (calcium voltage-gated channel subunit alpha1 S; minus strand). Cytogenetic location: 1q32.1.
Variant type: Deletion.
Coding change: c.4933_4941del on transcript NM_000069.3 (MANE Select); coding-DNA positions 4933 to 4941, 9 bases deleted (GAGGACTTC; older notation c.4933_4941delGAGGACTTC).
Protein change: p.Glu1645_Phe1647del.
Molecular consequence: inframe deletion.
Genome position (GRCh38, 1-based): chr1:201,043,388-201,043,396, GAAGTCCTC deleted on the plus strand (GAGGACTTC on the coding strand, the reverse complement: CACNA1S is on the minus strand). VCF-style (leftmost placement, unchanged base first): chr1-201043387-GGAAGTCCTC-G. GRCh37 (hg19) VCF-style: chr1-201012515-GGAAGTCCTC-G.
Identifiers: ClinVar variation 3073013 (VCV003073013.1), dbSNP rs2464410878, ClinGen allele CA2825000897.

ClinVar aggregate classification (germline): Uncertain significance (1 of 4 stars; one submission).

Conditions:
Malignant hyperthermia, susceptibility to, 5 (MHS5). Also called: CACNA1S-Related Malignant Hyperthermia Susceptibility. Identifiers: Orphanet 423, MedGen C1866077, MONDO:0011163, OMIM 601887.

Submission:

All of Us Research Program, National Institutes of Health
Classification: Uncertain significance for Malignant hyperthermia, susceptibility to, 5. Last evaluated: 2023-08-15. Review status: criteria provided, single submitter. Criteria: ACMG Guidelines, 2015. Collection method: clinical testing. Allele origin: germline. Inheritance: Autosomal dominant inheritance. Observed: 1 variant allele, 1 heterozygote.
Comment: This variant results in the in-frame deletion of three amino acids in the CACNA1S protein. To our knowledge, functional studies have not been reported for this variant. This variant has not been reported in individuals affected with CACNA1S-related disorders in the literature. This variant has not been identified in the general population by the Genome Aggregation Database (gnomAD). The available evidence is insufficient to determine the role of this variant in disease conclusively. Therefore, this variant is classified as a Variant of Uncertain Significance.

This study involves interpretation of variants in research participants for the purpose of population health screening. Participant phenotype was not available at the time of variant classification. Additional details can be found in publication PMID: 35346344, PMCID: PMC8962531